The following is an entry in ClinVar:

NM_001851.6(COL9A1):c.1015T>C (p.Ser339Pro)

Gene: COL9A1 (collagen type IX alpha 1 chain; minus strand). Cytogenetic location: 6q13.
Variant type: single nucleotide variant.
Coding change: c.1015T>C on transcript NM_001851.6 (MANE Select); coding-DNA position 1015, T replaced by C.
Protein change: p.Ser339Pro; replaces serine 339 with proline.
Molecular consequence: missense variant. On other transcripts: non-coding transcript variant (1).
Genome position (GRCh38, 1-based): chr6:70,274,733, A>G on the plus strand (T>C on the coding strand, the complement: COL9A1 is on the minus strand). VCF-style: chr6-70274733-A-G. GRCh37 (hg19) VCF-style: chr6-70984436-A-G.
Other names: c.286T>C, p.Ser96Pro (NM_001377289.1, NM_001377290.1, NM_078485.4); short protein forms S339P, S96P.
Identifiers: ClinVar variation 258335 (VCV000258335.24), dbSNP rs592121, ClinGen allele CA3882508.

ClinVar aggregate classification (germline): Benign/Likely benign. Review status: criteria provided, multiple submitters, no conflicts (2 of 4 stars). 12 submissions from 12 submitters: Benign (7); Likely benign (1). 4 of the submissions do not count toward it. Last evaluated 2026-05-08.

Conditions:
Epiphyseal dysplasia, multiple, 6. Also called: COL9A1-Related Multiple Epiphyseal Dysplasia. Identifiers: MedGen C2675767, MONDO:0013591, OMIM 614135.

Allele frequency attached by ClinVar (database versions not stated): gnomAD exomes 0.38850 and 0.39528; ExAC 0.40650; gnomAD 0.46612 and 0.46927; TOPMed 0.47479; ESP Exome Variant Server 0.47978; 1000 Genomes Project 0.48243; 1000 Genomes Project 30x 0.48704.
gnomAD v4.1: 636,735 of 1,608,134 alleles (40%); highest among the groups gnomAD compares: African/African-American, 68%; 130,770 homozygotes.

Submissions (12):

Women's Health and Genetics/Laboratory Corporation of America, LabCorp
Classification: Likely benign. Last evaluated: 2026-05-08. Review status: criteria provided, single submitter. Criteria: LabCorp Variant Classification Summary - May 2015. Collection method: clinical testing. Allele origin: germline.

Labcorp Genetics (formerly Invitae), Labcorp
Classification: Benign. Last evaluated: 2026-02-04. Review status: criteria provided, single submitter. Criteria: Invitae Variant Classification Sherloc (09022015). Collection method: clinical testing. Allele origin: germline.

Blueprint Genetics
Classification: Benign. Last evaluated: 2024-11-27. Review status: criteria provided, single submitter. Criteria: ACMG Guidelines, 2015. Collection method: clinical testing. Allele origin: germline.

Genome-Nilou Lab
Classification: Benign for Epiphyseal dysplasia, multiple, 6. Last evaluated: 2021-07-30. Review status: criteria provided, single submitter. Criteria: ACMG Guidelines, 2015. Collection method: clinical testing. Allele origin: germline. Affected: no.

Mayo Clinic Laboratories, Mayo Clinic
Classification: Benign. Last evaluated: 2020-06-16. Review status: criteria provided, single submitter. Criteria: ACMG Guidelines, 2015. Collection method: clinical testing. Allele origin: germline. Observed: 104 variant alleles.

Mendelics
Classification: Benign for Epiphyseal dysplasia, multiple, 6. Last evaluated: 2019-05-28. Review status: criteria provided, single submitter. Criteria: Mendelics Assertion Criteria 2017. Collection method: clinical testing. Allele origin: unknown.

GeneDx
Classification: Benign. Last evaluated: 2016-09-29. Review status: criteria provided, single submitter. Criteria: GeneDx Variant Classification (06012015). Collection method: clinical testing. Allele origin: germline. Affected: yes.
Comment: This variant is considered likely benign or benign based on one or more of the following criteria: it is a conservative change, it occurs at a poorly conserved position in the protein, it is predicted to be benign by multiple in silico algorithms, and/or has population frequency not consistent with disease.

PreventionGenetics, part of Exact Sciences
Classification: Benign. Review status: criteria provided, single submitter. Criteria: ACMG Guidelines, 2015. Collection method: clinical testing. Allele origin: germline.

Clinical Genetics DNA and cytogenetics Diagnostics Lab, Erasmus MC, Erasmus Medical Center
Classification: Benign. Review status: no assertion criteria provided. Collection method: clinical testing. Allele origin: germline. Affected: yes. Study: VKGL Data-share Consensus. Not counted in ClinVar's aggregate classification.

Diagnostic Laboratory, Department of Genetics, University Medical Center Groningen
Classification: Benign. Review status: no assertion criteria provided. Collection method: clinical testing. Allele origin: germline. Affected: yes. Study: VKGL Data-share Consensus. Not counted in ClinVar's aggregate classification.

Genome Diagnostics Laboratory, Amsterdam University Medical Center
Classification: Benign. Review status: no assertion criteria provided. Collection method: clinical testing. Allele origin: germline. Affected: yes. Study: VKGL Data-share Consensus. Not counted in ClinVar's aggregate classification.

Joint Genome Diagnostic Labs from Nijmegen and Maastricht, Radboudumc and MUMC+
Classification: Benign. Review status: no assertion criteria provided. Collection method: clinical testing. Allele origin: germline. Affected: yes. Study: VKGL Data-share Consensus. Not counted in ClinVar's aggregate classification.